The following is an entry in ClinVar:

NC_000023.10:g.(?_68836153)_(68836568_?)del

Gene: EDA (ectodysplasin A; plus strand). Cytogenetic location: Xq13.1.
Variant type: Deletion.
Identifiers: ClinVar variation 2424160 (VCV002424160.3).

ClinVar aggregate classification (germline): Pathogenic (1 of 4 stars; one submission).

Conditions:
Hypohidrotic X-linked ectodermal dysplasia (XHED). Also called: Christ-Siemans-Touraine syndrome; Anhidrotic ectodermal dysplasia X-linked; Christ Siemens Touraine syndrome; Ectodermal Dysplasia 1, Anhidrotic; ECTODERMAL DYSPLASIA 1, HYPOHIDROTIC, X-LINKED; ECTODERMAL DYSPLASIA 1, HYPOHIDROTIC/HAIR/TOOTH TYPE, X-LINKED. Identifiers: Orphanet 181, Orphanet 238468, MedGen C0162359, MONDO:0010585, OMIM 305100.

Submission:

Labcorp Genetics (formerly Invitae), Labcorp
Classification: Pathogenic for Hypohidrotic X-linked ectodermal dysplasia. Last evaluated: 2022-09-09. Review status: criteria provided, single submitter. Criteria: Invitae Variant Classification Sherloc (09022015). Collection method: clinical testing. Allele origin: germline.
Comment: This variant is a gross deletion of the genomic region encompassing exon(s) 1 of the EDA gene, which includes the initiator codon. This deletion extends beyond the assayed region for this gene and therefore may encompass additional genes. It is expected to result in an absent or disrupted protein product. Loss-of-function variants in EDA are known to be pathogenic (PMID: 9683615). A similar copy number variant has been observed in individual(s) with X-linked anhidrotic ectodermal dysplasia (PMID: 8696334, 11295832). For these reasons, this variant has been classified as Pathogenic.

Literature cited by the submitters: PubMed 9683615; PubMed 8696334; PubMed 11295832.